The following is an entry in ClinVar:

ClinVar aggregate classification (germline): Uncertain significance (1 of 4 stars; one submission).

Submission:

Ambry Genetics
Classification: Uncertain significance. Last evaluated: 2024-04-20. Review status: criteria provided, single submitter. Criteria: Ambry Variant Classification Scheme 2023. Collection method: clinical testing. Allele origin: germline.
Comment: The p.E1158V variant (also known as c.3473A>T), located in coding exon 17 of the NPAT gene, results from an A to T substitution at nucleotide position 3473. The glutamic acid at codon 1158 is replaced by valine, an amino acid with dissimilar properties. This amino acid position is conserved. In addition, this alteration is predicted to be tolerated by in silico analysis. Based on the available evidence, the clinical significance of this variant remains unclear.

NM_002519.3(NPAT):c.3473A>T (p.Glu1158Val)

Gene: NPAT (nuclear protein, coactivator of histone transcription; minus strand). Cytogenetic location: 11q22.3.
Variant type: single nucleotide variant.
Coding change: c.3473A>T on transcript NM_002519.3 (MANE Select); coding-DNA position 3473, A replaced by T.
Protein change: p.Glu1158Val; replaces glutamic acid 1158 with valine.
Molecular consequence: missense variant.
Genome position (GRCh38, 1-based): chr11:108,161,613, T>A on the plus strand (A>T on the coding strand, the complement: NPAT is on the minus strand). VCF-style: chr11-108161613-T-A. GRCh37 (hg19) VCF-style: chr11-108032340-T-A.
Other names: c.3494A>T, p.Glu1165Val (NM_001321307.1); short protein forms E1158V, E1165V.
Identifiers: ClinVar variation 3300669 (VCV003300669.1).